The following is an entry in ClinVar:

NM_020774.4(MIB1):c.1214C>A (p.Ser405Ter)

Gene: MIB1 (MIB E3 ubiquitin protein ligase 1; plus strand). Cytogenetic location: 18q11.2.
Variant type: single nucleotide variant.
Coding change: c.1214C>A on transcript NM_020774.4 (MANE Select); coding-DNA position 1214, C replaced by A.
Protein change: p.Ser405Ter; replaces serine 405 with a stop codon.
Molecular consequence: nonsense.
Genome position (GRCh38, 1-based): chr18:21,798,205, C>A. VCF-style: chr18-21798205-C-A. GRCh37 (hg19) VCF-style: chr18-19378166-C-A.
Other names: short protein forms S405*.
Identifiers: ClinVar variation 3347127 (VCV003347127.1).
Genomic context (GRCh38, chr18:21,798,205, plus strand): 5'-TTTGTGGAACATCTTGGACATACAATCCAGCAGCAGTTTCCAAGGTGGCATCTGCAGGAT[C>A]AGCCATTAGCAATGCATCTGGTGGTATGTTTTATATTGTGTTTCTTTAAGAGTAATGTGG-3'

ClinVar aggregate classification (germline): Uncertain significance (0 of 4 stars; one submission).

Conditions:
MIB1-related disorder. Also called: MIB1-related condition.

gnomAD v4.1: 1 of 1,613,124 alleles (0.000062%); highest among the groups gnomAD compares: Admixed American, 0.0017%; no homozygotes.

Submission:

PreventionGenetics, part of Exact Sciences
Classification: Uncertain significance for MIB1-related condition. Last evaluated: 2024-05-15. Review status: no assertion criteria provided. Collection method: clinical testing. Allele origin: germline.
Comment: The MIB1 c.1214C>A variant is predicted to result in premature protein termination (p.Ser405*). To our knowledge, this variant has not been reported in the literature. This variant is reported in 0.0029% of alleles in individuals of Latino descent in gnomAD. Loss of function has not been conclusively established as a mechanism for MIB1-related disorders. Although we suspect that this variant may be pathogenic, at this time, the clinical significance of this variant is uncertain due to the absence of conclusive functional and genetic evidence.